The following is an entry in ClinVar:

ClinVar aggregate classification (germline): Uncertain significance (1 of 4 stars; one submission).

Conditions:
Hypertrophic cardiomyopathy. Also called: HYPERTROPHIC MYOCARDIOPATHY. Identifiers: Orphanet 217569, MedGen C0007194, MeSH D002312, MONDO:0005045, HP:0001639.

Submission:

Labcorp Genetics (formerly Invitae), Labcorp
Classification: Uncertain significance for Hypertrophic cardiomyopathy. Last evaluated: 2022-03-20. Review status: criteria provided, single submitter. Criteria: Invitae Variant Classification Sherloc (09022015). Collection method: clinical testing. Allele origin: germline.
Comment: In summary, the available evidence is currently insufficient to determine the role of this variant in disease. Therefore, it has been classified as a Variant of Uncertain Significance. Algorithms developed to predict the effect of sequence changes on RNA splicing suggest that this variant may create or strengthen a splice site. This variant has not been reported in the literature in individuals affected with MYBPC3-related conditions. This variant is not present in population databases (gnomAD no frequency). This sequence change falls in intron 4 of the MYBPC3 gene. It does not directly change the encoded amino acid sequence of the MYBPC3 protein.

NM_000256.3(MYBPC3):c.505+4_505+7dup

Gene: MYBPC3 (myosin binding protein C3; minus strand). Cytogenetic location: 11p11.2.
Variant type: Duplication.
Coding change: c.505+4_505+7dup on transcript NM_000256.3 (MANE Select); bases 4 to 7 of the intron after coding-DNA position 505, 4 bases duplicated (AGTG; older notation c.505+4_505+7dupAGTG).
Molecular consequence: splice donor variant.
Genome position (GRCh38, 1-based): chr11:47,350,007-47,350,010, CACT duplicated on the plus strand (AGTG on the coding strand, the reverse complement: MYBPC3 is on the minus strand); duplicating any 4 consecutive bases within chr11:47,350,007-47,350,013 gives the same sequence; the c. name uses the placement nearest the transcript's 3' end. VCF-style (leftmost placement, unchanged base first): chr11-47350006-A-ACACT. GRCh37 (hg19) VCF-style: chr11-47371557-A-ACACT.
Identifiers: ClinVar variation 2098063 (VCV002098063.4), dbSNP rs2495781505, ClinGen allele CA2580084239.